The following is an entry in ClinVar:

ClinVar aggregate classification (germline): Uncertain significance (1 of 4 stars; one submission).

Submission:

Labcorp Genetics (formerly Invitae), Labcorp
Classification: Uncertain significance. Last evaluated: 2025-08-11. Review status: criteria provided, single submitter. Criteria: Invitae Variant Classification Sherloc (09022015). Collection method: clinical testing. Allele origin: germline.
Comment: This sequence change falls in intron 3 of the VAV1 gene. It does not directly change the encoded amino acid sequence of the VAV1 protein. It affects a nucleotide within the consensus splice site. This variant is not present in population databases (gnomAD no frequency). This variant has not been reported in the literature in individuals affected with VAV1-related conditions. Variants that disrupt the consensus splice site are a relatively common cause of aberrant splicing (PMID: 17576681, 9536098). In summary, the available evidence is currently insufficient to determine the role of this variant in disease. Therefore, it has been classified as a Variant of Uncertain Significance.

Literature cited by the submitters: PubMed 17576681; PubMed 9536098.

NM_005428.4(VAV1):c.381-2dup

Gene: VAV1 (vav guanine nucleotide exchange factor 1; plus strand). Cytogenetic location: 19p13.3.
Variant type: Duplication.
Coding change: c.381-2dup on transcript NM_005428.4 (MANE Select); the canonical splice acceptor site of the intron before coding-DNA position 381, one base duplicated (A; older notation c.381-2dupA).
Molecular consequence: splice acceptor variant.
Genome position (GRCh38, 1-based): chr19:6,821,789, A duplicated. VCF-style (leftmost placement, unchanged base first): chr19-6821788-C-CA. GRCh37 (hg19) VCF-style: chr19-6821799-C-CA.
Other names: c.381-2dup (NM_001258206.2, NM_001258207.2).
Identifiers: ClinVar variation 4725265 (VCV004725265.1).